The following is an entry in ClinVar:

NM_005060.4(RORC):c.718G>C (p.Gly240Arg)

Gene: RORC (RAR related orphan receptor C; minus strand). Cytogenetic location: 1q21.3.
Variant type: single nucleotide variant.
Coding change: c.718G>C on transcript NM_005060.4 (MANE Select); coding-DNA position 718, G replaced by C.
Protein change: p.Gly240Arg; replaces glycine 240 with arginine.
Molecular consequence: missense variant.
Genome position (GRCh38, 1-based): chr1:151,815,006, C>G on the plus strand (G>C on the coding strand, the complement: RORC is on the minus strand). VCF-style: chr1-151815006-C-G. GRCh37 (hg19) VCF-style: chr1-151787482-C-G.
Other names: c.655G>C, p.Gly219Arg (NM_001001523.2); short protein forms G240R, G219R.
Identifiers: ClinVar variation 1995057 (VCV001995057.4), dbSNP rs183023655, ClinGen allele CA342015707.

ClinVar aggregate classification (germline): Uncertain significance (1 of 4 stars; one submission).

Conditions:
Autosomal recessive mendelian susceptibility to mycobacterial diseases due to complete RORgamma receptor deficiency. Also called: Immunodeficiency 42. Identifiers: Orphanet 477857, MedGen C5567647, MONDO:0014710, OMIM 616622.

Submission:

Labcorp Genetics (formerly Invitae), Labcorp
Classification: Uncertain significance for Autosomal recessive mendelian susceptibility to mycobacterial diseases due to complete RORgamma receptor deficiency. Last evaluated: 2022-05-16. Review status: criteria provided, single submitter. Criteria: Invitae Variant Classification Sherloc (09022015). Collection method: clinical testing. Allele origin: germline.
Comment: In summary, the available evidence is currently insufficient to determine the role of this variant in disease. Therefore, it has been classified as a Variant of Uncertain Significance. Algorithms developed to predict the effect of missense changes on protein structure and function (SIFT, PolyPhen-2, Align-GVGD) all suggest that this variant is likely to be tolerated. This variant has not been reported in the literature in individuals affected with RORC-related conditions. This variant is not present in population databases (gnomAD no frequency). This sequence change replaces glycine, which is neutral and non-polar, with arginine, which is basic and polar, at codon 240 of the RORC protein (p.Gly240Arg).